The following is an entry in ClinVar:

NM_007113.4(TCHH):c.1877A>G (p.Glu626Gly)

Gene: TCHH (trichohyalin; minus strand). Cytogenetic location: 1q21.3.
Variant type: single nucleotide variant.
Coding change: c.1877A>G on transcript NM_007113.4 (MANE Select); coding-DNA position 1877, A replaced by G.
Protein change: p.Glu626Gly; replaces glutamic acid 626 with glycine.
Molecular consequence: missense variant.
Genome position (GRCh38, 1-based): chr1:152,111,340, T>C on the plus strand (A>G on the coding strand, the complement: TCHH is on the minus strand). VCF-style: chr1-152111340-T-C. GRCh37 (hg19) VCF-style: chr1-152083816-T-C.
Other names: c.1877A>G (NM_007113.2); short protein forms E626G.
Identifiers: ClinVar variation 2639191 (VCV002639191.25), dbSNP rs200110304, ClinGen allele CA1098670.
Genomic context (GRCh38, chr1:152,111,340, plus strand): 5'-TGCTGCTGGCGCCTCTCCTCCTGCTCCTCGCTCTTCAGCAGCTGCTGGCGCCTCTCTTCC[T>C]CCGGCTCCTCGCGCTTCAGCCGCTGCTCGCGCCTCTCCTCCTGCTCGAGTCTCTCCACCT-3'
Protein context (NP_009044.2, residues 616-636): REQRLKREEP[Glu626Gly]EERRQQLLKS

ClinVar aggregate classification (germline): Uncertain significance. Review status: criteria provided, multiple submitters, no conflicts (2 of 4 stars). 2 submissions from 2 submitters: Uncertain significance (2). Last evaluated 2024-11-08.

Allele frequency attached by ClinVar (database versions not stated): gnomAD 0.00003; TOPMed 0.00004; ExAC 0.00006; gnomAD exomes 0.00008; ESP Exome Variant Server 0.00016.
gnomAD v4.1: 126 of 1,602,304 alleles (0.0079%); highest among the groups gnomAD compares: Non-Finnish European, 0.0096%; no homozygotes.

Submissions (2):

Ambry Genetics
Classification: Uncertain significance. Last evaluated: 2024-11-08. Review status: criteria provided, single submitter. Criteria: Ambry Variant Classification Scheme 2023. Collection method: clinical testing. Allele origin: germline.

CeGaT Center for Human Genetics Tuebingen
Classification: Uncertain significance. Last evaluated: 2023-10-01. Review status: criteria provided, single submitter. Criteria: CeGaT Center For Human Genetics Tuebingen Variant Classification Criteria Version 2. Collection method: clinical testing. Allele origin: germline. Affected: yes. Observed: 1 variant allele.
Comment: TCHH: PM2, BP4